The following is an entry in ClinVar:

ClinVar aggregate classification (germline): Uncertain significance (1 of 4 stars; one submission).

Submission:

Ambry Genetics
Classification: Uncertain significance. Last evaluated: 2025-02-14. Review status: criteria provided, single submitter. Criteria: Ambry Variant Classification Scheme 2023. Collection method: clinical testing. Allele origin: germline.
Comment: The p.F855L variant (also known as c.2565C>A), located in coding exon 6 of the CDK12 gene, results from a C to A substitution at nucleotide position 2565. The phenylalanine at codon 855 is replaced by leucine, an amino acid with highly similar properties. This amino acid position is conserved. In addition, the in silico prediction for this alteration is inconclusive. Based on the available evidence, the clinical significance of this variant remains unclear.

NM_016507.4(CDK12):c.2565C>A (p.Phe855Leu)

Gene: CDK12 (cyclin dependent kinase 12; plus strand). Cytogenetic location: 17q12.
Variant type: single nucleotide variant.
Coding change: c.2565C>A on transcript NM_016507.4 (MANE Select); coding-DNA position 2565, C replaced by A.
Protein change: p.Phe855Leu; replaces phenylalanine 855 with leucine.
Molecular consequence: missense variant.
Genome position (GRCh38, 1-based): chr17:39,501,395, C>A. VCF-style: chr17-39501395-C-A. GRCh37 (hg19) VCF-style: chr17-37657648-C-A.
Other names: c.2565C>A, p.Phe855Leu (NM_015083.4); short protein forms F855L.
Identifiers: ClinVar variation 3830662 (VCV003830662.1).